The following is an entry in ClinVar:

ClinVar aggregate classification (germline): Likely benign. Review status: criteria provided, multiple submitters, no conflicts (2 of 4 stars). 4 submissions from 4 submitters: Likely benign (4). Last evaluated 2025-12-31.

Conditions:
Aneurysm-osteoarthritis syndrome. Also called: LOEYS-DIETZ SYNDROME WITH OSTEOARTHRITIS; SMAD3-Related Loeys-Dietz Syndrome; Loeys-Dietz syndrome, type 1C; ANEURYSMS-OSTEOARTHRITIS SYNDROME. Identifiers: Orphanet 284984, MedGen C3151087, MONDO:0013426, OMIM 613795.
Familial thoracic aortic aneurysm and aortic dissection (TAAD). Also called: Thoracic aortic aneurysms and dissections. Identifiers: Orphanet 91387, MedGen C4707243, MONDO:0019625.

Allele frequency attached by ClinVar (database versions not stated): gnomAD exomes below 0.00001 and 0.00001; ExAC 0.00001; gnomAD 0.00003 and 0.00004; TOPMed 0.00004.
gnomAD v4.1: 14 of 1,613,816 alleles (0.00087%); highest among the groups gnomAD compares: African/African-American, 0.011%; no homozygotes.

Submissions (4):

Labcorp Genetics (formerly Invitae), Labcorp
Classification: Likely benign for Familial thoracic aortic aneurysm and aortic dissection. Last evaluated: 2025-12-31. Review status: criteria provided, single submitter. Criteria: Invitae Variant Classification Sherloc (09022015). Collection method: clinical testing. Allele origin: germline.

Women's Health and Genetics/Laboratory Corporation of America, LabCorp
Classification: Likely benign. Last evaluated: 2024-12-12. Review status: criteria provided, single submitter. Criteria: LabCorp Variant Classification Summary - May 2015. Collection method: clinical testing. Allele origin: germline.

All of Us Research Program, National Institutes of Health
Classification: Likely benign for Aneurysm-osteoarthritis syndrome. Last evaluated: 2023-06-08. Review status: criteria provided, single submitter. Criteria: ACMG Guidelines, 2015. Collection method: clinical testing. Allele origin: germline. Inheritance: Autosomal dominant inheritance. Observed: 1 variant allele, 1 heterozygote.
Comment: This study involves interpretation of variants in research participants for the purpose of population health screening. Participant phenotype was not available at the time of variant classification. Additional details can be found in publication PMID: 35346344, PMCID: PMC8962531

Color Diagnostics, LLC DBA Color Health
Classification: Likely benign for Familial thoracic aortic aneurysm and aortic dissection. Last evaluated: 2019-01-22. Review status: criteria provided, single submitter. Criteria: ACMG Guidelines, 2015. Collection method: clinical testing. Allele origin: germline.

NM_005902.4(SMAD3):c.872-12G>C

Gene: SMAD3 (SMAD family member 3; plus strand). Cytogenetic location: 15q22.33.
Variant type: single nucleotide variant.
Coding change: c.872-12G>C on transcript NM_005902.4 (MANE Select); 12 bases into the intron before coding-DNA position 872, G replaced by C.
Molecular consequence: intron variant.
Genome position (GRCh38, 1-based): chr15:67,184,715, G>C. VCF-style: chr15-67184715-G-C. GRCh37 (hg19) VCF-style: chr15-67477053-G-C.
Other names: c.557-12G>C (NM_001145102.2); c.740-12G>C (NM_001145103.2); c.287-12G>C (NM_001145104.2).
Identifiers: ClinVar variation 919016 (VCV000919016.12), dbSNP rs768529580, ClinGen allele CA062788.
Genomic context (GRCh38, chr15:67,184,715, plus strand): 5'-AGCCTCAGGTGGCCCCAGGGCCATTGTGTGTGAGCAAAGGCACCCTGTCCAGTCTAACCT[G>C]AATCTCTGTAGGAAGAGGCGTGCGGCTCTACTACATCGGAGGGGAGGTCTTCGCAGAGTG-3'